The following is an entry in ClinVar:

NM_033380.3(COL4A5):c.2005G>C (p.Gly669Arg)

Gene: COL4A5 (collagen type IV alpha 5 chain; plus strand). Cytogenetic location: Xq22.3.
Variant type: single nucleotide variant.
Coding change: c.2005G>C on transcript NM_033380.3 (MANE Select); coding-DNA position 2005, G replaced by C.
Protein change: p.Gly669Arg; replaces glycine 669 with arginine.
Molecular consequence: missense variant.
Genome position (GRCh38, 1-based): chrX:108,601,449, G>C. VCF-style: chrX-108601449-G-C. GRCh37 (hg19) VCF-style: chrX-107844679-G-C.
Other names: c.2005G>C, p.Gly669Arg (NM_000495.5); short protein forms G669R.
Identifiers: ClinVar variation 2138699 (VCV002138699.4), dbSNP rs281874684, ClinGen allele CA258589.

ClinVar aggregate classification (germline): Pathogenic (1 of 4 stars; one submission).

Submission:

Labcorp Genetics (formerly Invitae), Labcorp
Classification: Pathogenic. Last evaluated: 2022-04-30. Review status: criteria provided, single submitter. Criteria: Invitae Variant Classification Sherloc (09022015). Collection method: clinical testing. Allele origin: germline.
Comment: For these reasons, this variant has been classified as Pathogenic. This variant disrupts the triple helix domain of COL4A5. Glycine residues within the Gly-Xaa-Yaa repeats of the triple helix domain are required for the structure and stability of fibrillar collagens (PMID: 7695699, 8218237, 19344236). In COL4A5, missense variants at these glycine residues are significantly enriched in individuals with disease (PMID: 23720012, 27627812) compared to the general population (ExAC). Advanced modeling of protein sequence and biophysical properties (such as structural, functional, and spatial information, amino acid conservation, physicochemical variation, residue mobility, and thermodynamic stability) performed at Invitae indicates that this missense variant is expected to disrupt COL4A5 protein function. This missense change has been observed in individuals with clinical features of Alport syndrome (PMID: 10094548, 15780079, 17396119). It has also been observed to segregate with disease in related individuals. This variant is not present in population databases (gnomAD no frequency). This sequence change replaces glycine, which is neutral and non-polar, with arginine, which is basic and polar, at codon 669 of the COL4A5 protein (p.Gly669Arg).

Literature cited by the submitters: PubMed 7695699; PubMed 8218237; PubMed 19344236; PubMed 23720012; PubMed 27627812; PubMed 10094548; PubMed 15780079; PubMed 17396119.